The following is an entry in ClinVar:

ClinVar aggregate classification (germline): no classifications from unflagged records (0 of 4 stars; one submission).

Conditions:
Cataract 1 multiple types. Also called: CATARACT, DUFFY-LINKED; CATARACT 1, NUCLEAR PROGRESSIVE; CATARACT 1 WITH MICROCORNEA; CATARACT 1, POSTERIOR SUBCAPSULAR, WITH MICROCORNEA; CATARACT 1, STELLATE NUCLEAR, WITH MICROCORNEA; CATARACT 1, MULTIPLE TYPES, WITH OR WITHOUT MICROCORNEA. Identifiers: Orphanet 1377, MedGen C1861828, MONDO:0007285, OMIM 116200.

Submission:

Molecular Genetics of Human Eye Development, Oxford Brookes University
Classification: Uncertain significance for Cataract 1 multiple types. Last evaluated: 2025-02-18. Review status: flagged submission. Criteria: ACMG/ClinGen CNV Guidelines, 2019. Collection method: research. Allele origin: unknown. Affected: yes. Observed: 1 variant allele.
Comment: 1q21 microdeletion leading to CNV loss involving GJA8 and other genes. Segregation of this variant could not be determined due to lack of parental DNA samples. Previous studies have linked similar 1q21 CNVs with other congenital eye anomalies (PMID: 29464339; PMID: 18784092). There is conflicting interpretation over pathogenicity of 1q21 microdeletions as not all carriers of the variant display a disease phenotype.
ClinVar note: Notes: This submission was flagged because its interpretation of this variant conflicts with the ClinGen Gene Dosage Map curation for the gene SF3B4.
ClinVar note: Reason: Conflict with ClinGen Gene Dosage Map

Literature cited by the submitters: PubMed 29464339.

NC_000001.11:g.145516559_149951620del

Genes: ACP6 (acid phosphatase 6, lysophosphatidic; minus strand), ANKRD34A (ankyrin repeat domain 34A; minus strand), ANKRD35 (ankyrin repeat domain 35; minus strand), ANKRD35-DT (ANKRD35 divergent transcript; plus strand), BCL9 (BCL9 transcription coactivator; plus strand) and 176 more. Cytogenetic location: 1q21.1-21.2.
Variant type: Deletion.
Identifiers: ClinVar variation 3236400 (VCV003236400.3).